The following is an entry in ClinVar:

ClinVar aggregate classification (germline): Uncertain significance (1 of 4 stars; one submission).

Conditions:
X-linked myopathy with postural muscle atrophy. Also called: FHL1-Related Emery-Dreifuss Muscular Dystrophy, X-Linked. Identifiers: Orphanet 178461, MedGen C2678055, MONDO:0010401, OMIM 300696.

Submission:

Labcorp Genetics (formerly Invitae), Labcorp
Classification: Uncertain significance for X-linked myopathy with postural muscle atrophy. Last evaluated: 2022-02-03. Review status: criteria provided, single submitter. Criteria: Invitae Variant Classification Sherloc (09022015). Collection method: clinical testing. Allele origin: germline.
Comment: ClinVar contains an entry for this variant (Variation ID: 573175). Algorithms developed to predict the effect of missense changes on protein structure and function (SIFT, PolyPhen-2, Align-GVGD) all suggest that this variant is likely to be disruptive. This variant disrupts the p.Cys104 amino acid residue in FHL1. Other variant(s) that disrupt this residue have been determined to be pathogenic (PMID: 21683594, 32102154). This suggests that this residue is clinically significant, and that variants that disrupt this residue are likely to be disease-causing. In summary, the available evidence is currently insufficient to determine the role of this variant in disease. Therefore, it has been classified as a Variant of Uncertain Significance. This variant has not been reported in the literature in individuals affected with FHL1-related conditions. This sequence change replaces cysteine, which is neutral and slightly polar, with tryptophan, which is neutral and slightly polar, at codon 104 of the FHL1 protein (p.Cys104Trp). This variant is not present in population databases (gnomAD no frequency).

Literature cited by the submitters: PubMed 21683594; PubMed 32102154.

NM_001159699.2(FHL1):c.360C>G (p.Cys120Trp)

Gene: FHL1 (four and a half LIM domains 1; plus strand). Cytogenetic location: Xq26.3.
Variant type: single nucleotide variant.
Coding change: c.360C>G on transcript NM_001159699.2 (MANE Select); coding-DNA position 360, C replaced by G.
Protein change: p.Cys120Trp; replaces cysteine 120 with tryptophan.
Molecular consequence: missense variant. On other transcripts: non-coding transcript variant (1).
Genome position (GRCh38, 1-based): chrX:136,207,171, C>G. VCF-style: chrX-136207171-C-G. GRCh37 (hg19) VCF-style: chrX-135289330-C-G.
Other names: c.312C>G, p.Cys104Trp (NM_001159700.2, NM_001159702.3, NM_001159703.2 and 9 more transcripts); c.399C>G, p.Cys133Trp (NM_001159701.2); c.360C>G, p.Cys120Trp (NM_001330659.2); short protein forms C104W, C120W, C133W.
Identifiers: ClinVar variation 573175 (VCV000573175.8), dbSNP rs1277704131, ClinGen allele CA414608232.